The following is an entry in ClinVar:

NM_004364.5(CEBPA):c.447C>T (p.Arg149=)

Gene: CEBPA (CCAAT enhancer binding protein alpha; minus strand). Cytogenetic location: 19q13.11.
Variant type: single nucleotide variant.
Coding change: c.447C>T on transcript NM_004364.5 (MANE Select); coding-DNA position 447, C replaced by T.
Protein change: p.Arg149=; no amino-acid change (arginine 149 retained).
Molecular consequence: synonymous variant.
Genome position (GRCh38, 1-based): chr19:33,301,968, G>A on the plus strand (C>T on the coding strand, the complement: CEBPA is on the minus strand). VCF-style: chr19-33301968-G-A. GRCh37 (hg19) VCF-style: chr19-33792874-G-A.
Other names: c.447C>T (NM_004364.4, NM_004364.3); c.90C>T, p.Arg30= (NM_001285829.2); c.552C>T, p.Arg184= (NM_001287424.2); c.405C>T, p.Arg135= (NM_001287435.2).
Identifiers: ClinVar variation 1159908 (VCV001159908.12), dbSNP rs1967184069, ClinGen allele CA507007793.
Genomic context (GRCh38, chr19:33,301,968, plus strand): 5'-TTCATCCTCCTCGCGGGGCTCCTGCTTGATCACCAGCGGCCGCAGCGCCGGCGCCCCGAC[G>A]CGCTCGTACAGGGGCTCCAGCCTGCCGTCCAGGTAGCCGGCGGCCGCGCAGCCGTAGCCG-3'
Protein context (NP_004355.2, residues 139-159): LDGRLEPLYE[Arg149=]VGAPALRPLV

ClinVar aggregate classification (germline): Likely benign. Review status: criteria provided, multiple submitters, no conflicts (2 of 4 stars). 3 submissions from 3 submitters: Likely benign (2). 1 of the submissions does not count toward it. Last evaluated 2025-05-15.

Conditions:
Inborn genetic diseases. Identifiers: MedGen C0950123, MeSH D030342.
CEBPA-related disorder. Also called: CEBPA-related condition.
Acute myeloid leukemia (AML). Also called: Leukemia, acute myeloid, somatic; Leukemia, acute myelogenous, somatic; Acute myeloid leukemia, adult; AML adult; Acute non-lymphocytic leukemia; Acute granulocytic leukemia. Identifiers: Orphanet 519, MedGen C0023467, MeSH D015470, MONDO:0018874, OMIM 601626, HP:0004808. Disease mechanism: Constitutively activated FLT3.

Allele frequency attached by ClinVar (database versions not stated): TOPMed below 0.00001; gnomAD 0.00001.
gnomAD v4.1: 2 of 1,243,440 alleles (0.00016%); highest among the groups gnomAD compares: Non-Finnish European, 0.0001%; no homozygotes.

Submissions (3):

Ambry Genetics
Classification: Likely benign for Inborn genetic diseases. Last evaluated: 2025-05-15. Review status: criteria provided, single submitter. Criteria: Ambry Variant Classification Scheme 2023. Collection method: clinical testing. Allele origin: germline.

Labcorp Genetics (formerly Invitae), Labcorp
Classification: Likely benign for Acute myeloid leukemia. Last evaluated: 2021-12-31. Review status: criteria provided, single submitter. Criteria: Invitae Variant Classification Sherloc (09022015). Collection method: clinical testing. Allele origin: germline.

PreventionGenetics, part of Exact Sciences
Classification: Likely benign for CEBPA-related condition. Last evaluated: 2022-04-27. Review status: no assertion criteria provided. Collection method: clinical testing. Allele origin: germline. Not counted in ClinVar's aggregate classification.
Comment: This variant is classified as likely benign based on ACMG/AMP sequence variant interpretation guidelines (Richards et al. 2015 PMID: 25741868, with internal and published modifications).